The following is an entry in ClinVar:

ClinVar aggregate classification (germline): Likely benign (1 of 4 stars; one submission).

Submission:

CeGaT Center for Human Genetics Tuebingen
Classification: Likely benign. Last evaluated: 2023-04-01. Review status: criteria provided, single submitter. Criteria: CeGaT Center For Human Genetics Tuebingen Variant Classification Criteria Version 2. Collection method: clinical testing. Allele origin: germline. Affected: yes. Observed: 1 variant allele.
Comment: MUC21: BP4, BP7

NM_001010909.5(MUC21):c.1131C>T (p.Asn377=)

Genes: MUC21 (mucin 21, cell surface associated; plus strand), LOC126859647 (CDK7 strongly-dependent group 2 enhancer GRCh37_chr6:30954612-30955811; plus strand). Cytogenetic location: 6p21.33.
Variant type: single nucleotide variant.
Coding change: c.1131C>T on transcript NM_001010909.5 (MANE Select); coding-DNA position 1131, C replaced by T.
Protein change: p.Asn377=; no amino-acid change (asparagine 377 retained).
Molecular consequence: synonymous variant. On other transcripts: non-coding transcript variant (1).
Genome position (GRCh38, 1-based): chr6:30,987,306, C>T. VCF-style: chr6-30987306-C-T. GRCh37 (hg19) VCF-style: chr6-30955083-C-T.
Other names: c.1221C>T, p.Asn407= (NM_001322370.2, NM_001322371.2).
Identifiers: ClinVar variation 2656376 (VCV002656376.24), dbSNP rs2538887742, ClinGen allele CA449782390.
Genomic context (GRCh38, chr6:30,987,306, plus strand): 5'-CAGCACAGCCACCAACTCTGGGTCCAGCACGACCTCCAGTGGGACCAGCACAGCCACCAA[C>T]TCTGAGTCCAGCACAGTGTCCAGTGGGGCCAGCACAGCCACCACCTCTGAGTCCAGCACG-3'
Protein context (NP_001010909.2, residues 367-387): TTSSGTSTAT[Asn377=]SESSTVSSGA